The following is an entry in ClinVar:

ClinVar aggregate classification (germline): Uncertain significance (1 of 4 stars; one submission).

Conditions:
Cardiovascular phenotype. Identifiers: MedGen CN230736.

Allele frequency attached by ClinVar (database versions not stated): gnomAD exomes below 0.00001.
gnomAD v4.1: 1 of 1,614,020 alleles (0.000062%); highest among the groups gnomAD compares: Non-Finnish European, 0.000085%; no homozygotes.

Submission:

Ambry Genetics
Classification: Uncertain significance for Cardiovascular phenotype. Last evaluated: 2021-12-03. Review status: criteria provided, single submitter. Criteria: Ambry Variant Classification Scheme 2023. Collection method: clinical testing. Allele origin: germline.
Comment: The p.V1589L variant (also known as c.4765G>T), located in coding exon 10 of the ALPK3 gene, results from a G to T substitution at nucleotide position 4765. The valine at codon 1589 is replaced by leucine, an amino acid with highly similar properties. This amino acid position is conserved. In addition, this alteration is predicted to be tolerated by in silico analysis. Since supporting evidence is limited at this time, the clinical significance of this alteration remains unclear.

NM_020778.5(ALPK3):c.4159G>T (p.Val1387Leu)

Gene: ALPK3 (alpha kinase 3; plus strand). Cytogenetic location: 15q25.3.
Variant type: single nucleotide variant.
Coding change: c.4159G>T on transcript NM_020778.5 (MANE Select); coding-DNA position 4159, G replaced by T.
Protein change: p.Val1387Leu; replaces valine 1387 with leucine.
Molecular consequence: missense variant.
Genome position (GRCh38, 1-based): chr15:84,862,664, G>T. VCF-style: chr15-84862664-G-T. GRCh37 (hg19) VCF-style: chr15-85405895-G-T.
Other names: short protein forms V1387L.
Identifiers: ClinVar variation 1742918 (VCV001742918.2), dbSNP rs2505727285, ClinGen allele CA393362631.